The following is an entry in ClinVar:

NM_022051.3(EGLN1):c.368C>T (p.Ala123Val)

Gene: EGLN1 (egl-9 family hypoxia inducible factor 1; minus strand). Cytogenetic location: 1q42.2.
Variant type: single nucleotide variant.
Coding change: c.368C>T on transcript NM_022051.3 (MANE Select); coding-DNA position 368, C replaced by T.
Protein change: p.Ala123Val; replaces alanine 123 with valine.
Molecular consequence: missense variant.
Genome position (GRCh38, 1-based): chr1:231,421,521, G>A on the plus strand (C>T on the coding strand, the complement: EGLN1 is on the minus strand). VCF-style: chr1-231421521-G-A. GRCh37 (hg19) VCF-style: chr1-231557267-G-A.
Other names: c.368C>T, p.Ala123Val (NM_001377260.1, NM_001377261.1); short protein forms A123V.
Identifiers: ClinVar variation 3227713 (VCV003227713.1), dbSNP rs920059543, ClinGen allele CA38948846.

ClinVar aggregate classification (germline): Uncertain significance (1 of 4 stars; one submission).

Allele frequency attached by ClinVar (database versions not stated): TOPMed below 0.00001; gnomAD 0.00001.

Submission:

Ambry Genetics
Classification: Uncertain significance. Last evaluated: 2023-12-19. Review status: criteria provided, single submitter. Criteria: Ambry Variant Classification Scheme 2023. Collection method: clinical testing. Allele origin: germline.
Comment: The p.A123V variant (also known as c.368C>T), located in coding exon 1 of the EGLN1 gene, results from a C to T substitution at nucleotide position 368. The alanine at codon 123 is replaced by valine, an amino acid with similar properties. This amino acid position is conserved. In addition, this alteration is predicted to be tolerated by in silico analysis. Since supporting evidence is limited at this time, the clinical significance of this alteration remains unclear.